The following is an entry in ClinVar:

ClinVar aggregate classification (germline): Uncertain significance. Review status: criteria provided, single submitter (1 of 4 stars). 2 submissions from 2 submitters: Uncertain significance (1). 1 of the submissions does not count toward it. Last evaluated 2022-09-26.

Conditions:
Inborn genetic diseases. Identifiers: MedGen C0950123, MeSH D030342.
KIDINS220-related disorder. Also called: KIDINS220-related condition.

Allele frequency attached by ClinVar (database versions not stated): ExAC 0.00001; gnomAD exomes 0.00001; TOPMed 0.00001.
gnomAD v4.1: 14 of 1,595,026 alleles (0.00088%); highest among the groups gnomAD compares: Non-Finnish European, 0.0011%; no homozygotes.

Submissions (2):

Ambry Genetics
Classification: Uncertain significance for Inborn genetic diseases. Last evaluated: 2022-09-26. Review status: criteria provided, single submitter. Criteria: Ambry Variant Classification Scheme 2023. Collection method: clinical testing. Allele origin: germline.

PreventionGenetics, part of Exact Sciences
Classification: Uncertain significance for KIDINS220-related condition. Last evaluated: 2023-10-20. Review status: no assertion criteria provided. Collection method: clinical testing. Allele origin: germline. Not counted in ClinVar's aggregate classification.
Comment: The KIDINS220 c.491A>G variant is predicted to result in the amino acid substitution p.Asn164Ser. To our knowledge, this variant has not been reported in the literature. This variant is reported in 0.0016% of alleles in individuals of European (Non-Finnish) descent in gnomAD. At this time, the clinical significance of this variant is uncertain due to the absence of conclusive functional and genetic evidence.

NM_020738.4(KIDINS220):c.491A>G (p.Asn164Ser)

Gene: KIDINS220 (kinase D interacting substrate 220; minus strand). Cytogenetic location: 2p25.1.
Variant type: single nucleotide variant.
Coding change: c.491A>G on transcript NM_020738.4 (MANE Select); coding-DNA position 491, A replaced by G.
Protein change: p.Asn164Ser; replaces asparagine 164 with serine.
Molecular consequence: missense variant. On other transcripts: non-coding transcript variant (2).
Genome position (GRCh38, 1-based): chr2:8,812,408, T>C on the plus strand (A>G on the coding strand, the complement: KIDINS220 is on the minus strand). VCF-style: chr2-8812408-T-C. GRCh37 (hg19) VCF-style: chr2-8952538-T-C.
Other names: c.494A>G, p.Asn165Ser (NM_001348729.2, NM_001348731.2, NM_001348734.2 and 3 more transcripts); c.491A>G, p.Asn164Ser (NM_001348732.2, NM_001348735.2, NM_001348738.2 and 3 more transcripts); c.365A>G, p.Asn122Ser (NM_001348736.2); short protein forms N164S, N165S, N122S.
Identifiers: ClinVar variation 2313193 (VCV002313193.3), dbSNP rs757018900, ClinGen allele CA1520418.